The following is an entry in ClinVar:

NM_000128.4(F11):c.1560dup (p.Tyr521fs)

Genes: F11 (coagulation factor XI; plus strand), F11-AS1 (F11 antisense RNA 1; minus strand). Cytogenetic location: 4q35.2.
Variant type: Duplication.
Coding change: c.1560dup on transcript NM_000128.4 (MANE Select); coding-DNA position 1560, one base duplicated (G; older notation c.1560dupG).
Protein change: p.Tyr521fs; shifts the reading frame from tyrosine 521.
Molecular consequence: frameshift variant.
Genome position (GRCh38, 1-based): chr4:186,286,494, G duplicated; the last of 5 consecutive G bases (chr4:186,286,490-186,286,494); duplicating any one gives the same sequence. VCF-style (leftmost placement, unchanged base first): chr4-186286489-T-TG. GRCh37 (hg19) VCF-style: chr4-187207643-T-TG.
Other names: c.1560dupG (NM_000128.3); short protein forms Y521fs.
Identifiers: ClinVar variation 370801 (VCV000370801.4), dbSNP rs1057516777, ClinGen allele CA16040950.

ClinVar aggregate classification (germline): Pathogenic. Review status: criteria provided, single submitter (1 of 4 stars). 2 submissions from 2 submitters: Pathogenic (1). 1 of the submissions does not count toward it. Last evaluated 2025-07-11.

Conditions:
Plasma factor XI deficiency.
Hereditary factor XI deficiency disease. Also called: PLASMA THROMBOPLASTIN ANTECEDENT DEFICIENCY; PTA DEFICIENCY; ROSENTHAL SYNDROME; Congenital factor XI deficiency. Identifiers: Orphanet 329, MedGen C0015523, MeSH D005173, MONDO:0012897, OMIM 612416.

Submissions (2):

Natera, Inc.
Classification: Pathogenic for Plasma factor XI deficiency. Last evaluated: 2025-07-11. Review status: criteria provided, single submitter. Criteria: Natera Variant Classification Schema (03/2026). Collection method: clinical testing. Allele origin: germline.
Comment: The c.1560dupG variant in F11 is a frameshift variant predicted to shift the reading frame beginning at codon 521 and leads to a stop codon 33 codons downstream. This variant is expected to result in nonsense mediated decay, truncation, or a dysfunctional protein product. This variant is rare in the general population with a frequency below the threshold expected for the associated phenotype(s). This variant has been observed in one or more individuals affected with the associated recessive disease, as either homozygous or compound heterozygous with a second variant (PMID: 12879434, 18832909, 21668437). Given the available evidence, this variant is classified as Pathogenic.

Counsyl
Classification: Likely pathogenic for Hereditary factor XI deficiency disease. Last evaluated: 2016-04-15. Review status: no assertion criteria provided. Collection method: clinical testing. Allele origin: unknown. Not counted in ClinVar's aggregate classification.

Literature cited by the submitters: PubMed 12879434 (cited by Natera, Inc. and Counsyl); PubMed 18832909 (cited by Natera, Inc. and Counsyl); PubMed 21668437 (cited by Natera, Inc.).